The following is an entry in ClinVar:

ClinVar aggregate classification (germline): Uncertain significance (1 of 4 stars; one submission).

Submission:

Labcorp Genetics (formerly Invitae), Labcorp
Classification: Uncertain significance. Last evaluated: 2024-06-19. Review status: criteria provided, single submitter. Criteria: Invitae Variant Classification Sherloc (09022015). Collection method: clinical testing. Allele origin: germline.
Comment: This sequence change replaces glycine, which is neutral and non-polar, with arginine, which is basic and polar, at codon 47 of the TYR protein (p.Gly47Arg). This variant is not present in population databases (gnomAD no frequency). This variant has not been reported in the literature in individuals affected with TYR-related conditions. Advanced modeling of protein sequence and biophysical properties (such as structural, functional, and spatial information, amino acid conservation, physicochemical variation, residue mobility, and thermodynamic stability) performed at Invitae indicates that this missense variant is expected to disrupt TYR protein function with a positive predictive value of 80%. This variant disrupts the p.Gly47 amino acid residue in TYR. Other variant(s) that disrupt this residue have been determined to be pathogenic (PMID: 1676041, 8128955, 8434585, 16417222, 19626598, 23242301, 23882993, 28976636). This suggests that this residue is clinically significant, and that variants that disrupt this residue are likely to be disease-causing. In summary, the available evidence is currently insufficient to determine the role of this variant in disease. Therefore, it has been classified as a Variant of Uncertain Significance.

Literature cited by the submitters: PubMed 1676041; PubMed 8128955; PubMed 8434585; PubMed 16417222; PubMed 19626598; PubMed 23242301; PubMed 23882993; PubMed 28976636.

NM_000372.5(TYR):c.139G>C (p.Gly47Arg)

Gene: TYR (tyrosinase; plus strand). Cytogenetic location: 11q14.3.
Variant type: single nucleotide variant.
Coding change: c.139G>C on transcript NM_000372.5 (MANE Select); coding-DNA position 139, G replaced by C.
Protein change: p.Gly47Arg; replaces glycine 47 with arginine.
Molecular consequence: missense variant.
Genome position (GRCh38, 1-based): chr11:89,178,092, G>C. VCF-style: chr11-89178092-G-C. GRCh37 (hg19) VCF-style: chr11-88911260-G-C.
Other names: short protein forms G47R.
Identifiers: ClinVar variation 3656964 (VCV003656964.2).